The following is an entry in ClinVar:

ClinVar aggregate classification (germline): Uncertain significance (1 of 4 stars; one submission).

Conditions:
Hereditary breast ovarian cancer syndrome. Also called: Hereditary breast and ovarian cancer syndrome; Hereditary breast and ovarian cancer syndrome (HBOC); Breast and ovarian cancer; Hereditary breast and/or ovarian cancer syndrome; Hereditary breast and ovarian cancer; BRCA1- and BRCA2-Associated Hereditary Breast and Ovarian Cancer. Identifiers: Orphanet 145, MedGen C0677776, MeSH D061325, MONDO:0003582. Disease mechanism: loss of function.

Submission:

Labcorp Genetics (formerly Invitae), Labcorp
Classification: Uncertain significance for Hereditary breast ovarian cancer syndrome. Last evaluated: 2022-08-03. Review status: criteria provided, single submitter. Criteria: Invitae Variant Classification Sherloc (09022015). Collection method: clinical testing. Allele origin: germline.
Comment: This sequence change replaces histidine, which is basic and polar, with asparagine, which is neutral and polar, at codon 1860 of the BRCA1 protein (p.His1860Asn). This variant is not present in population databases (gnomAD no frequency). This variant has not been reported in the literature in individuals affected with BRCA1-related conditions. Advanced modeling of protein sequence and biophysical properties (such as structural, functional, and spatial information, amino acid conservation, physicochemical variation, residue mobility, and thermodynamic stability) performed at Invitae indicates that this missense variant is not expected to disrupt BRCA1 protein function. In summary, the available evidence is currently insufficient to determine the role of this variant in disease. Therefore, it has been classified as a Variant of Uncertain Significance.

NM_007294.4(BRCA1):c.5578C>A (p.His1860Asn)

Gene: BRCA1 (BRCA1 DNA repair associated; minus strand). Cytogenetic location: 17q21.31.
Variant type: single nucleotide variant.
Coding change: c.5578C>A on transcript NM_007294.4 (MANE Select); coding-DNA position 5578, C replaced by A.
Protein change: p.His1860Asn; replaces histidine 1860 with asparagine.
Molecular consequence: missense variant. On other transcripts: 3 prime UTR variant (1), non-coding transcript variant (1).
Genome position (GRCh38, 1-based): chr17:43,045,692, G>T on the plus strand (C>A on the coding strand, the complement: BRCA1 is on the minus strand). VCF-style: chr17-43045692-G-T. GRCh37 (hg19) VCF-style: chr17-41197709-G-T.
Other names: c.5563C>A, p.His1855Asn (NM_001407647.1); c.5521C>A, p.His1841Asn (NM_001407648.1); c.5518C>A, p.His1840Asn (NM_001407649.1); c.5500C>A, p.His1834Asn (NM_001407652.1, NM_001407653.1, NM_001407654.1 and 1 more transcripts); c.5497C>A, p.His1833Asn (NM_001407657.1, NM_001407658.1, NM_001407656.1); c.5494C>A, p.His1832Asn (NM_001407659.1, NM_001407660.1, NM_001407661.1 and 2 more transcripts); c.2053C>A, p.His685Asn (NM_001408493.1, NM_001408492.1); c.2029C>A, p.His677Asn (NM_001408494.1); and 74 more; short protein forms H1818N, H1819N, H1832N, H1833N, H1834N, H1840N, H1841N, H1855N.
Identifiers: ClinVar variation 1714923 (VCV001714923.6), dbSNP rs2545819275, ClinGen allele CA10590172.
Genomic context (GRCh38, chr17:43,045,692, plus strand): 5'-GCTCATTCTTGGGGTCCTGTGGCTCTGTACCTGTGGCTGGCTGCAGTCAGTAGTGGCTGT[G>T]GGGGATCTGGGGTATCAGGTAGGTGTCCAGCTCCTGGCACTGGTAGAGTGCTACACTGTC-3'
Protein context (NP_009225.1, residues 1850-1863): LDTYLIPQIP[His1860Asn]SHY